The following is an entry in ClinVar:

NM_002017.5(FLI1):c.1019G>C (p.Arg340Pro)

Gene: FLI1 (Fli-1 proto-oncogene, ETS transcription factor; plus strand). Cytogenetic location: 11q24.3.
Variant type: single nucleotide variant.
Coding change: c.1019G>C on transcript NM_002017.5 (MANE Select); coding-DNA position 1019, G replaced by C.
Protein change: p.Arg340Pro; replaces arginine 340 with proline.
Molecular consequence: missense variant.
Genome position (GRCh38, 1-based): chr11:128,810,648, G>C. VCF-style: chr11-128810648-G-C. GRCh37 (hg19) VCF-style: chr11-128680543-G-C.
Other names: c.920G>C, p.Arg307Pro (NM_001167681.3); c.821G>C, p.Arg274Pro (NM_001271010.2); c.440G>C, p.Arg147Pro (NM_001271012.2); short protein forms R147P, R274P, R307P, R340P.
Identifiers: ClinVar variation 1684421 (VCV001684421.1), dbSNP rs1131691896, ClinGen allele CA383238852.

ClinVar aggregate classification (germline): Likely pathogenic (0 of 4 stars; one submission).

Conditions:
Bleeding disorder, platelet-type, 21 (BDPLT21). Identifiers: MedGen C4479515, MONDO:0054577, OMIM 617443.

Submission:

ISTH-SSC Genomics in Thrombosis and Hemostasis, KU Leuven, Center for Molecular and Vascular Biology
Classification: Likely pathogenic for Bleeding disorder, platelet-type, 21. Review status: no assertion criteria provided. Collection method: clinical testing. Allele origin: germline. Affected: yes.
Comment: Submitted to GoldVariant by Eva Leinoe from Genomic medicine, Rigshospitalet, Copenhagen, Denmark